The following is an entry in ClinVar:

ClinVar aggregate classification (germline): Uncertain significance (1 of 4 stars; one submission).

Conditions:
Familial thoracic aortic aneurysm and aortic dissection (TAAD). Also called: Thoracic aortic aneurysms and dissections. Identifiers: Orphanet 91387, MedGen C4707243, MONDO:0019625.

Allele frequency attached by ClinVar (database versions not stated): gnomAD exomes below 0.00001.
gnomAD v4.1: 1 of 1,614,116 alleles (0.000062%); highest among the groups gnomAD compares: Non-Finnish European, 0.000085%; no homozygotes.

Submission:

Labcorp Genetics (formerly Invitae), Labcorp
Classification: Uncertain significance for Familial thoracic aortic aneurysm and aortic dissection. Last evaluated: 2016-12-08. Review status: criteria provided, single submitter. Criteria: Invitae Variant Classification Sherloc (09022015). Collection method: clinical testing. Allele origin: germline.
Comment: In summary, this variant is a novel missense change with uncertain impact on protein function. It has been classified as a Variant of Uncertain Significance. Algorithms developed to predict the effect of missense changes on protein structure and function do not agree on the potential impact of this missense change (SIFT: "Deleterious"; PolyPhen-2: "Possibly Damaging"; Align-GVGD: "Class C0"). This variant is not present in population databases (ExAC no frequency) and has not been reported in the literature in individuals with a SMAD3-related disease. This sequence change replaces threonine with alanine at codon 261 of the SMAD3 protein (p.Thr261Ala). The threonine residue is highly conserved and there is a small physicochemical difference between threonine and alanine.

NM_005902.4(SMAD3):c.781A>G (p.Thr261Ala)

Gene: SMAD3 (SMAD family member 3; plus strand). Cytogenetic location: 15q22.33.
Variant type: single nucleotide variant.
Coding change: c.781A>G on transcript NM_005902.4 (MANE Select); coding-DNA position 781, A replaced by G.
Protein change: p.Thr261Ala; replaces threonine 261 with alanine.
Molecular consequence: missense variant.
Genome position (GRCh38, 1-based): chr15:67,181,363, A>G. VCF-style: chr15-67181363-A-G. GRCh37 (hg19) VCF-style: chr15-67473701-A-G.
Other names: c.466A>G, p.Thr156Ala (NM_001145102.2); c.649A>G, p.Thr217Ala (NM_001145103.2); c.196A>G, p.Thr66Ala (NM_001145104.2); short protein forms T261A, T156A, T217A, T66A.
Identifiers: ClinVar variation 405559 (VCV000405559.8), dbSNP rs1060500764, ClinGen allele CA16614894.